The following is an entry in ClinVar:

ClinVar aggregate classification (germline): Pathogenic (1 of 4 stars; one submission).

Conditions:
Tuberous sclerosis 2 (TSC2). Identifiers: Orphanet 805, MedGen C1860707, MONDO:0013199, OMIM 613254.

Submission:

Labcorp Genetics (formerly Invitae), Labcorp
Classification: Pathogenic for Tuberous sclerosis 2. Last evaluated: 2021-11-04. Review status: criteria provided, single submitter. Criteria: Invitae Variant Classification Sherloc (09022015). Collection method: clinical testing. Allele origin: germline.
Comment: This sequence change results in a frameshift in the TSC2 gene (p.Arg1793Profs*?). While this is not anticipated to result in nonsense mediated decay, it is expected to disrupt the last 15 amino acid(s) of the TSC2 protein and extend the protein by an uncertain number of additional amino acid residues. This variant is not present in population databases (gnomAD no frequency). This variant has not been reported in the literature in individuals affected with TSC2-related conditions. This variant results in an extension of the TSC2 protein. Other variant(s) that result in a similarly extended protein product (p.Phe1803Leufs*?) have been determined to be pathogenic (PMID: 24789117). This suggests that these extensions are likely to be disease-causing. For these reasons, this variant has been classified as Pathogenic.

Literature cited by the submitters: PubMed 24789117.

NM_000548.5(TSC2):c.5377dup (p.Arg1793fs)

Gene: TSC2 (TSC complex subunit 2; plus strand). Cytogenetic location: 16p13.3.
Variant type: Duplication.
Coding change: c.5377dup on transcript NM_000548.5 (MANE Select); coding-DNA position 5377, one base duplicated (C; older notation c.5377dupC).
Protein change: p.Arg1793fs; shifts the reading frame from arginine 1793.
Molecular consequence: frameshift variant.
Genome position (GRCh38, 1-based): chr16:2,088,563, C duplicated. VCF-style (leftmost placement, unchanged base first): chr16-2088562-G-GC. GRCh37 (hg19) VCF-style: chr16-2138563-G-GC.
Other names: c.5176dup, p.Arg1726fs (NM_001077183.3); c.5308dup, p.Arg1770fs (NM_001114382.3); c.5068dup, p.Arg1690fs (NM_001318827.2); c.5032dup, p.Arg1678fs (NM_001318829.2); c.4645dup, p.Arg1549fs (NM_001318831.2); c.5209dup, p.Arg1737fs (NM_001318832.2); c.5179dup, p.Arg1727fs (NM_001363528.2); c.5245dup, p.Arg1749fs (NM_001370404.1); and 2 more; short protein forms R1678fs, R1690fs, R1749fs, R1750fs, R1549fs, R1727fs, R1793fs, R1726fs.
Identifiers: ClinVar variation 1455196 (VCV001455196.6), dbSNP rs2151641893, ClinGen allele CA2573151992.